The following is an entry in ClinVar:

NM_006912.6(RIT1):c.-44+82C>T

Gene: RIT1 (Ras like without CAAX 1; minus strand). Cytogenetic location: 1q22.
Variant type: single nucleotide variant.
Coding change: c.-44+82C>T on transcript NM_006912.6 (MANE Select); 82 bases into the intron after 44 bases upstream of the start codon, C replaced by T.
Molecular consequence: intron variant.
Genome position (GRCh38, 1-based): chr1:155,911,161, G>A on the plus strand (C>T on the coding strand, the complement: RIT1 is on the minus strand). VCF-style: chr1-155911161-G-A. GRCh37 (hg19) VCF-style: chr1-155880952-G-A.
Other names: c.-44+82C>T (LRG_1372t1); c.-3+82C>T (NM_001256820.2).
Identifiers: ClinVar variation 561403 (VCV000561403.2), dbSNP rs490498, ClinGen allele CA15073027.

ClinVar aggregate classification (germline): Benign. Review status: criteria provided, multiple submitters, no conflicts (2 of 4 stars). 2 submissions from 2 submitters: Benign (2). Last evaluated 2018-06-14.

Allele frequency attached by ClinVar (database versions not stated): 1000 Genomes Project 30x 0.35337; 1000 Genomes Project 0.35623; TOPMed 0.45396; gnomAD 0.47534 and 0.47742; gnomAD exomes 0.58648.
gnomAD v4.1: 277,561 of 501,298 alleles (55%); highest among the groups gnomAD compares: Non-Finnish European, 66%; 86,855 homozygotes.

Submissions (2):

GeneDx
Classification: Benign. Last evaluated: 2018-06-14. Review status: criteria provided, single submitter. Criteria: GeneDx Variant Classification (06012015). Collection method: clinical testing. Allele origin: germline. Affected: yes.
Comment: This variant is considered likely benign or benign based on one or more of the following criteria: it is a conservative change, it occurs at a poorly conserved position in the protein, it is predicted to be benign by multiple in silico algorithms, and/or has population frequency not consistent with disease.

Breakthrough Genomics
Classification: Benign. Review status: criteria provided, single submitter. Criteria: ACMG Guidelines, 2015. Collection method: not provided. Allele origin: germline. Inheritance: Autosomal dominant inheritance. Affected: yes.